The following is an entry in ClinVar:

ClinVar aggregate classification (germline): Uncertain significance (1 of 4 stars; one submission).

gnomAD v4.1: 38 of 1,613,178 alleles (0.0024%); highest among the groups gnomAD compares: Non-Finnish European, 0.0032%; no homozygotes.

Submission:

Labcorp Genetics (formerly Invitae), Labcorp
Classification: Uncertain significance. Last evaluated: 2025-02-13. Review status: criteria provided, single submitter. Criteria: Invitae Variant Classification Sherloc (09022015). Collection method: clinical testing. Allele origin: germline.
Comment: This sequence change replaces glutamic acid, which is acidic and polar, with lysine, which is basic and polar, at codon 166 of the ZNF408 protein (p.Glu166Lys). This variant is present in population databases (rs770749630, gnomAD 0.002%). This variant has not been reported in the literature in individuals affected with ZNF408-related conditions. An algorithm developed to predict the effect of missense changes on protein structure and function (PolyPhen-2) suggests that this variant is likely to be disruptive. In summary, the available evidence is currently insufficient to determine the role of this variant in disease. Therefore, it has been classified as a Variant of Uncertain Significance.

NM_024741.3(ZNF408):c.496G>A (p.Glu166Lys)

Gene: ZNF408 (zinc finger protein 408; plus strand). Cytogenetic location: 11p11.2.
Variant type: single nucleotide variant.
Coding change: c.496G>A on transcript NM_024741.3 (MANE Select); coding-DNA position 496, G replaced by A.
Protein change: p.Glu166Lys; replaces glutamic acid 166 with lysine.
Molecular consequence: missense variant.
Genome position (GRCh38, 1-based): chr11:46,703,087, G>A. VCF-style: chr11-46703087-G-A. GRCh37 (hg19) VCF-style: chr11-46724637-G-A.
Other names: c.472G>A, p.Glu158Lys (NM_001184751.2); short protein forms E158K, E166K.
Identifiers: ClinVar variation 4699947 (VCV004699947.1).